The following is an entry in ClinVar:

ClinVar aggregate classification (germline): Uncertain significance (1 of 4 stars; one submission).

Submission:

GeneDx
Classification: Uncertain significance. Last evaluated: 2022-05-04. Review status: criteria provided, single submitter. Criteria: GeneDx Variant Classification Process June 2021. Collection method: clinical testing. Allele origin: germline. Affected: yes.
Comment: Not observed at significant frequency in large population cohorts (gnomAD); In silico analysis supports that this missense variant has a deleterious effect on protein structure/function; Has not been previously published as pathogenic or benign to our knowledge

NM_022893.4(BCL11A):c.734G>C (p.Gly245Ala)

Gene: BCL11A (BCL11 transcription factor A; minus strand). Cytogenetic location: 2p16.1.
Variant type: single nucleotide variant.
Coding change: c.734G>C on transcript NM_022893.4 (MANE Select); coding-DNA position 734, G replaced by C.
Protein change: p.Gly245Ala; replaces glycine 245 with alanine.
Molecular consequence: missense variant. On other transcripts: intron variant (9).
Genome position (GRCh38, 1-based): chr2:60,462,178, C>G on the plus strand (G>C on the coding strand, the complement: BCL11A is on the minus strand). VCF-style: chr2-60462178-C-G. GRCh37 (hg19) VCF-style: chr2-60689313-C-G.
Other names: c.632G>C, p.Gly211Ala (NM_001363864.1, NM_001365609.1, NM_001405711.1 and 2 more transcripts); c.734G>C, p.Gly245Ala (NM_001405708.1, NM_001405709.1, NM_001405710.1 and 1 more transcripts); c.578G>C, p.Gly193Ala (NM_001405713.1, NM_001405714.1, NM_001405715.1 and 3 more transcripts); c.476G>C, p.Gly159Ala (NM_001405717.1, NM_001405718.1, NM_001405724.1); c.401G>C, p.Gly134Ala (NM_001405720.1, NM_001405721.1); c.278G>C, p.Gly93Ala (NM_001405725.1, NM_001405726.1, NM_001405727.1 and 1 more transcripts); c.630+104G>C (NM_138559.2, NM_001405732.1, NM_001405730.1); c.528+104G>C (NM_001405733.1); and 3 more; short protein forms G134A, G159A, G193A, G211A, G245A, G93A.
Identifiers: ClinVar variation 1722812 (VCV001722812.2), dbSNP rs2466261312, ClinGen allele CA347039545.